The following is an entry in ClinVar:

NM_004517.4(ILK):c.1162C>T (p.Arg388Trp)

Genes: TAF10 (TATA-box binding protein associated factor 10; minus strand), ILK (integrin linked kinase; plus strand). Cytogenetic location: 11p15.4.
Variant type: single nucleotide variant.
Coding change: c.1162C>T on transcript NM_004517.4 (MANE Select); coding-DNA position 1162, C replaced by T.
Protein change: p.Arg388Trp; replaces arginine 388 with tryptophan.
Molecular consequence: missense variant. On other transcripts: 3 prime UTR variant (1).
Genome position (GRCh38, 1-based): chr11:6,610,231, C>T. VCF-style: chr11-6610231-C-T. GRCh37 (hg19) VCF-style: chr11-6631462-C-T.
Other names: c.1162C>T, p.Arg388Trp (NM_001014794.3, NM_001014795.3); c.979C>T, p.Arg327Trp (NM_001278441.2); c.760C>T, p.Arg254Trp (NM_001278442.2); c.*691G>A (NM_006284.4); short protein forms R327W, R254W, R388W.
Identifiers: ClinVar variation 952349 (VCV000952349.13), dbSNP rs776996356, ClinGen allele CA217315984.

ClinVar aggregate classification (germline): Uncertain significance. Review status: criteria provided, multiple submitters, no conflicts (2 of 4 stars). 2 submissions from 2 submitters: Uncertain significance (2). Last evaluated 2024-08-15.

Conditions:
Primary familial hypertrophic cardiomyopathy (HCM). Identifiers: Orphanet 99739, MedGen C0949658, MeSH D024741, MONDO:0024573. Inheritance: Various modes of inheritance.

Allele frequency attached by ClinVar (database versions not stated): gnomAD exomes 0.00001.
gnomAD v4.1: 20 of 1,614,134 alleles (0.0012%); highest among the groups gnomAD compares: Non-Finnish European, 0.0016%; no homozygotes.

Submissions (2):

Ambry Genetics
Classification: Uncertain significance. Last evaluated: 2024-08-15. Review status: criteria provided, single submitter. Criteria: Ambry Variant Classification Scheme 2023. Collection method: clinical testing. Allele origin: germline.
Comment: The p.R388W variant (also known as c.1162C>T), located in coding exon 11 of the ILK gene, results from a C to T substitution at nucleotide position 1162. The arginine at codon 388 is replaced by tryptophan, an amino acid with dissimilar properties. This amino acid position is conserved. In addition, this alteration is predicted to be deleterious by in silico analysis. Based on the available evidence, the clinical significance of this variant remains unclear.

Labcorp Genetics (formerly Invitae), Labcorp
Classification: Uncertain significance for Primary familial hypertrophic cardiomyopathy. Last evaluated: 2022-03-23. Review status: criteria provided, single submitter. Criteria: Invitae Variant Classification Sherloc (09022015). Collection method: clinical testing. Allele origin: germline.
Comment: This variant is present in population databases (rs776996356, gnomAD 0.0009%). This sequence change replaces arginine, which is basic and polar, with tryptophan, which is neutral and slightly polar, at codon 388 of the ILK protein (p.Arg388Trp). In summary, the available evidence is currently insufficient to determine the role of this variant in disease. Therefore, it has been classified as a Variant of Uncertain Significance. Algorithms developed to predict the effect of missense changes on protein structure and function are either unavailable or do not agree on the potential impact of this missense change (SIFT: "Deleterious"; PolyPhen-2: "Benign"; Align-GVGD: "Class C65"). ClinVar contains an entry for this variant (Variation ID: 952349). This variant has not been reported in the literature in individuals affected with ILK-related conditions.